The following is an entry in ClinVar:

ClinVar aggregate classification (germline): Uncertain significance (1 of 4 stars; one submission).

Conditions:
Immunodeficiency. Identifiers: MedGen C0021051, MONDO:0021094, HP:0002721.

Submission:

Labcorp Genetics (formerly Invitae), Labcorp
Classification: Uncertain significance for Immunodeficiency. Last evaluated: 2023-04-01. Review status: criteria provided, single submitter. Criteria: Invitae Variant Classification Sherloc (09022015). Collection method: clinical testing. Allele origin: germline.
Comment: Algorithms developed to predict the effect of missense changes on protein structure and function output the following: SIFT: "Not Available"; PolyPhen-2: "Benign"; Align-GVGD: "Not Available". The methionine amino acid residue is found in multiple mammalian species, which suggests that this missense change does not adversely affect protein function. In summary, the available evidence is currently insufficient to determine the role of this variant in disease. Therefore, it has been classified as a Variant of Uncertain Significance. This variant is not present in population databases (gnomAD no frequency). This variant has not been reported in the literature in individuals affected with NFAT5-related conditions. This sequence change replaces leucine, which is neutral and non-polar, with methionine, which is neutral and non-polar, at codon 1451 of the NFAT5 protein (p.Leu1451Met).

NM_138713.4(NFAT5):c.4633T>A (p.Leu1545Met)

Gene: NFAT5 (nuclear factor of activated T cells 5; plus strand). Cytogenetic location: 16q22.1.
Variant type: single nucleotide variant.
Coding change: c.4633T>A on transcript NM_138713.4 (MANE Select); coding-DNA position 4633, T replaced by A.
Protein change: p.Leu1545Met; replaces leucine 1545 with methionine.
Molecular consequence: missense variant.
Genome position (GRCh38, 1-based): chr16:69,695,354, T>A. VCF-style: chr16-69695354-T-A. GRCh37 (hg19) VCF-style: chr16-69729257-T-A.
Other names: c.4630T>A, p.Leu1544Met (NM_001113178.3); c.3958T>A, p.Leu1320Met (NM_001367709.1); c.4579T>A, p.Leu1527Met (NM_006599.4); c.4351T>A, p.Leu1451Met (NM_138714.4, NM_173214.3, NM_173215.3); short protein forms L1527M, L1544M, L1320M, L1545M, L1451M.
Identifiers: ClinVar variation 2851449 (VCV002851449.3), dbSNP rs2544265247, ClinGen allele CA396516243.